The following is an entry in ClinVar:

ClinVar aggregate classification (germline): Uncertain significance. Review status: criteria provided, multiple submitters, no conflicts (2 of 4 stars). 3 submissions from 3 submitters: Uncertain significance (3). Last evaluated 2026-06-01.

Conditions:
Charcot-Marie-Tooth disease type 2. Also called: Charcot-Marie-Tooth type 2. Identifiers: Orphanet 64746, MedGen C0270914, MONDO:0018993.

Allele frequency attached by ClinVar (database versions not stated): gnomAD exomes below 0.00001 and 0.00001; gnomAD 0.00002; TOPMed 0.00003.
gnomAD v4.1: 15 of 1,613,728 alleles (0.00093%); highest among the groups gnomAD compares: East Asian, 0.0022%; no homozygotes.

Submissions (3):

CeGaT Center for Human Genetics Tuebingen
Classification: Uncertain significance. Last evaluated: 2026-06-01. Review status: criteria provided, single submitter. Criteria: CeGaT Center For Human Genetics Tuebingen Variant Classification Criteria Version 2. Collection method: clinical testing. Allele origin: germline. Affected: yes. Observed: 2 variant alleles.

Ambry Genetics
Classification: Uncertain significance. Last evaluated: 2025-05-10. Review status: criteria provided, single submitter. Criteria: Ambry Variant Classification Scheme 2023. Collection method: clinical testing. Allele origin: germline.
Comment: The p.E63K variant (also known as c.187G>A), located in coding exon 3 of the KIF1B gene, results from a G to A substitution at nucleotide position 187. The glutamic acid at codon 63 is replaced by lysine, an amino acid with similar properties. This amino acid position is well conserved in available vertebrate species. In addition, the in silico prediction for this alteration is inconclusive. Since supporting evidence is limited at this time, the clinical significance of this alteration remains unclear.

Labcorp Genetics (formerly Invitae), Labcorp
Classification: Uncertain significance for Charcot-Marie-Tooth disease type 2. Last evaluated: 2024-04-24. Review status: criteria provided, single submitter. Criteria: Invitae Variant Classification Sherloc (09022015). Collection method: clinical testing. Allele origin: germline.
Comment: This sequence change replaces glutamic acid, which is acidic and polar, with lysine, which is basic and polar, at codon 63 of the KIF1B protein (p.Glu63Lys). This variant is present in population databases (no rsID available, gnomAD 0.007%). This variant has not been reported in the literature in individuals affected with KIF1B-related conditions. ClinVar contains an entry for this variant (Variation ID: 1023173). Advanced modeling of protein sequence and biophysical properties (such as structural, functional, and spatial information, amino acid conservation, physicochemical variation, residue mobility, and thermodynamic stability) performed at Invitae indicates that this missense variant is not expected to disrupt KIF1B protein function with a negative predictive value of 80%. In summary, the available evidence is currently insufficient to determine the role of this variant in disease. Therefore, it has been classified as a Variant of Uncertain Significance.

NM_001365951.3(KIF1B):c.187G>A (p.Glu63Lys)

Gene: KIF1B (kinesin family member 1B; plus strand). Cytogenetic location: 1p36.22.
Variant type: single nucleotide variant.
Coding change: c.187G>A on transcript NM_001365951.3 (MANE Select); coding-DNA position 187, G replaced by A.
Protein change: p.Glu63Lys; replaces glutamic acid 63 with lysine.
Molecular consequence: missense variant.
Genome position (GRCh38, 1-based): chr1:10,258,496, G>A. VCF-style: chr1-10258496-G-A. GRCh37 (hg19) VCF-style: chr1-10318554-G-A.
Other names: c.187G>A, p.Glu63Lys (NM_001365952.1, NM_001365953.1, NM_015074.3 and 1 more transcripts); short protein forms E63K.
Identifiers: ClinVar variation 1023173 (VCV001023173.30), dbSNP rs1025709021, ClinGen allele CA17832759.